The following is an entry in ClinVar:

NM_013339.4(ALG6):c.1029dup (p.His344fs)

Gene: ALG6 (ALG6 alpha-1,3-glucosyltransferase; plus strand). Cytogenetic location: 1p31.3.
Variant type: Duplication.
Coding change: c.1029dup on transcript NM_013339.4 (MANE Select); coding-DNA position 1029, one base duplicated (A; older notation c.1029dupA).
Protein change: p.His344fs; shifts the reading frame from histidine 344.
Molecular consequence: frameshift variant.
Genome position (GRCh38, 1-based): chr1:63,419,411, A duplicated. VCF-style (leftmost placement, unchanged base first): chr1-63419410-T-TA. GRCh37 (hg19) VCF-style: chr1-63885081-T-TA.
Other names: short protein forms H344fs.
Identifiers: ClinVar variation 2029354 (VCV002029354.4), dbSNP rs2523768384, ClinGen allele CA2580063148.

ClinVar aggregate classification (germline): Pathogenic (1 of 4 stars; one submission).

Conditions:
ALG6-congenital disorder of glycosylation 1C (CDG1C). Also called: Congenital disorder of glycosylation, type Ic; CDG Ic; Congenital disorder of glycosylation type 1C; CARBOHYDRATE-DEFICIENT GLYCOPROTEIN SYNDROME, TYPE I, WITH DEFICIENT GLYCOSYLATION OF DOLICHOL-LINKED OLIGOSACCHARIDE; CARBOHYDRATE-DEFICIENT GLYCOPROTEIN SYNDROME, TYPE V. Identifiers: Orphanet 79320, MedGen C2930997, MONDO:0011291, OMIM 603147.

Submission:

Labcorp Genetics (formerly Invitae), Labcorp
Classification: Pathogenic for ALG6-congenital disorder of glycosylation 1C. Last evaluated: 2022-09-07. Review status: criteria provided, single submitter. Criteria: Invitae Variant Classification Sherloc (09022015). Collection method: clinical testing. Allele origin: germline.
Comment: This variant has not been reported in the literature in individuals affected with ALG6-related conditions. For these reasons, this variant has been classified as Pathogenic. This variant is not present in population databases (gnomAD no frequency). This sequence change creates a premature translational stop signal (p.His344Thrfs*2) in the ALG6 gene. It is expected to result in an absent or disrupted protein product. Loss-of-function variants in ALG6 are known to be pathogenic (PMID: 19862844).

Literature cited by the submitters: PubMed 19862844.